The following is an entry in ClinVar:

ClinVar aggregate classification (germline): Uncertain significance (1 of 4 stars; one submission).

Conditions:
Microcephaly-intellectual disability-sensorineural hearing loss-epilepsy-abnormal muscle tone syndrome (NEDHSB). Also called: NEURODEVELOPMENTAL DISORDER WITH HEARING LOSS, SEIZURES, AND BRAIN ABNORMALITIES. Identifiers: Orphanet 457351, MedGen C4225276, MONDO:0014698, OMIM 616577.

Allele frequency attached by ClinVar (database versions not stated): TOPMed 0.00001; gnomAD 0.00001.
gnomAD v4.1: 13 of 1,611,840 alleles (0.00081%); highest among the groups gnomAD compares: South Asian, 0.0011%; no homozygotes.

Submission:

Labcorp Genetics (formerly Invitae), Labcorp
Classification: Uncertain significance for Microcephaly-intellectual disability-sensorineural hearing loss-epilepsy-abnormal muscle tone syndrome. Last evaluated: 2020-11-16. Review status: criteria provided, single submitter. Criteria: Invitae Variant Classification Sherloc (09022015). Collection method: clinical testing. Allele origin: germline.
Comment: This sequence change replaces leucine with phenylalanine at codon 67 of the SPATA5 protein (p.Leu67Phe). The leucine residue is highly conserved and there is a small physicochemical difference between leucine and phenylalanine. This variant is not present in population databases (ExAC no frequency). This variant has not been reported in the literature in individuals with SPATA5-related conditions. Advanced modeling of protein sequence and biophysical properties (such as structural, functional, and spatial information, amino acid conservation, physicochemical variation, residue mobility, and thermodynamic stability) performed at Invitae indicates that this missense variant is not expected to disrupt SPATA5 protein function. In summary, the available evidence is currently insufficient to determine the role of this variant in disease. Therefore, it has been classified as a Variant of Uncertain Significance.

NM_145207.3(AFG2A):c.199C>T (p.Leu67Phe)

Gene: AFG2A (AFG2 AAA ATPase homolog A; plus strand). Cytogenetic location: 4q28.1.
Variant type: single nucleotide variant.
Coding change: c.199C>T on transcript NM_145207.3 (MANE Select); coding-DNA position 199, C replaced by T.
Protein change: p.Leu67Phe; replaces leucine 67 with phenylalanine.
Molecular consequence: missense variant.
Genome position (GRCh38, 1-based): chr4:122,927,669, C>T. VCF-style: chr4-122927669-C-T. GRCh37 (hg19) VCF-style: chr4-123848824-C-T.
Other names: c.196C>T, p.Leu66Phe (NM_001317799.2, NM_001345856.2); short protein forms L66F, L67F.
Identifiers: ClinVar variation 1348066 (VCV001348066.6), dbSNP rs777517835, ClinGen allele CA104808220.